The following is an entry in ClinVar:

NM_001195263.2(PDZD7):c.658T>G (p.Phe220Val)

Gene: PDZD7 (PDZ domain containing 7; minus strand). Cytogenetic location: 10q24.31.
Variant type: single nucleotide variant.
Coding change: c.658T>G on transcript NM_001195263.2 (MANE Select); coding-DNA position 658, T replaced by G.
Protein change: p.Phe220Val; replaces phenylalanine 220 with valine.
Molecular consequence: missense variant.
Genome position (GRCh38, 1-based): chr10:101,022,270, A>C on the plus strand (T>G on the coding strand, the complement: PDZD7 is on the minus strand). VCF-style: chr10-101022270-A-C. GRCh37 (hg19) VCF-style: chr10-102782027-A-C.
Other names: c.658T>G, p.Phe220Val (NM_001351044.2, NM_024895.5); short protein forms F220V.
Identifiers: ClinVar variation 1045836 (VCV001045836.10), dbSNP rs1853153513, ClinGen allele CA378230222.

ClinVar aggregate classification (germline): Uncertain significance (1 of 4 stars; one submission).

Submission:

Labcorp Genetics (formerly Invitae), Labcorp
Classification: Uncertain significance. Last evaluated: 2022-10-05. Review status: criteria provided, single submitter. Criteria: Invitae Variant Classification Sherloc (09022015). Collection method: clinical testing. Allele origin: germline.
Comment: This sequence change replaces phenylalanine, which is neutral and non-polar, with valine, which is neutral and non-polar, at codon 220 of the PDZD7 protein (p.Phe220Val). This variant is not present in population databases (gnomAD no frequency). This variant has not been reported in the literature in individuals affected with PDZD7-related conditions. ClinVar contains an entry for this variant (Variation ID: 1045836). Advanced modeling of protein sequence and biophysical properties (such as structural, functional, and spatial information, amino acid conservation, physicochemical variation, residue mobility, and thermodynamic stability) performed at Invitae indicates that this missense variant is not expected to disrupt PDZD7 protein function. In summary, the available evidence is currently insufficient to determine the role of this variant in disease. Therefore, it has been classified as a Variant of Uncertain Significance.